The following is an entry in ClinVar:

NM_015915.5(ATL1):c.268T>C (p.Tyr90His)

Gene: ATL1 (atlastin GTPase 1; plus strand). Cytogenetic location: 14q22.1.
Variant type: single nucleotide variant.
Coding change: c.268T>C on transcript NM_015915.5 (MANE Select); coding-DNA position 268, T replaced by C.
Protein change: p.Tyr90His; replaces tyrosine 90 with histidine.
Molecular consequence: missense variant.
Genome position (GRCh38, 1-based): chr14:50,588,064, T>C. VCF-style: chr14-50588064-T-C. GRCh37 (hg19) VCF-style: chr14-51054782-T-C.
Other names: c.268T>C, p.Tyr90His (NM_001127713.1, NM_181598.4); short protein forms Y90H.
Identifiers: ClinVar variation 1948967 (VCV001948967.7), dbSNP rs767543400, ClinGen allele CA7180188.

ClinVar aggregate classification (germline): Uncertain significance. Review status: criteria provided, multiple submitters, no conflicts (2 of 4 stars). 2 submissions from 2 submitters: Uncertain significance (2). Last evaluated 2026-08-09.

Conditions:
Hereditary spastic paraplegia 3A (SPG3A). Also called: SPASTIC PARAPLEGIA 3, AUTOSOMAL DOMINANT; FAMILIAL SPASTIC PARAPLEGIA, AUTOSOMAL DOMINANT, 1; SPG3; STRUMPELL DISEASE; Spastic Paraplegia 3A; Spastic paraplegia 3A, autosomal dominant. Identifiers: Orphanet 100984, MedGen C2931355, MONDO:0008437, OMIM 182600.

Allele frequency attached by ClinVar (database versions not stated): TOPMed below 0.00001; gnomAD exomes 0.00001; ExAC 0.00001.

Submissions (2):

GeneDx
Classification: Uncertain significance. Last evaluated: 2026-08-09. Review status: criteria provided, single submitter. Criteria: GeneDx Variant Classification Process June 2021. Collection method: clinical testing. Allele origin: germline.
Comment: In silico analysis supports that this missense variant has a deleterious effect on protein structure/function; Has not been previously published as pathogenic or benign to our knowledge; This variant is associated with the following publications: (PMID: 23334294)

Labcorp Genetics (formerly Invitae), Labcorp
Classification: Uncertain significance for Hereditary spastic paraplegia 3A. Last evaluated: 2023-01-18. Review status: criteria provided, single submitter. Criteria: Invitae Variant Classification Sherloc (09022015). Collection method: clinical testing. Allele origin: germline.
Comment: In summary, the available evidence is currently insufficient to determine the role of this variant in disease. Therefore, it has been classified as a Variant of Uncertain Significance. Advanced modeling of protein sequence and biophysical properties (such as structural, functional, and spatial information, amino acid conservation, physicochemical variation, residue mobility, and thermodynamic stability) performed at Invitae indicates that this missense variant is expected to disrupt ATL1 protein function. This variant has not been reported in the literature in individuals affected with ATL1-related conditions. This variant is present in population databases (rs767543400, gnomAD 0.003%). This sequence change replaces tyrosine, which is neutral and polar, with histidine, which is basic and polar, at codon 90 of the ATL1 protein (p.Tyr90His).